The following is an entry in ClinVar:

NM_001127511.3(APC):c.166-28783T>C

Gene: APC (APC regulator of Wnt signaling pathway; plus strand). Cytogenetic location: 5q22.2.
Variant type: single nucleotide variant.
Coding change: c.166-28783T>C on transcript NM_001127511.3; 28783 bases into the intron before coding-DNA position 166, T replaced by C.
Molecular consequence: intron variant.
Genome position (GRCh38, 1-based): chr5:112,737,543, T>C. VCF-style: chr5-112737543-T-C. GRCh37 (hg19) VCF-style: chr5-112073240-T-C.
Other names: c.-18-17330T>C (NM_001407458.1, NM_001407447.1, NM_001354895.2 and 7 more transcripts); c.-42-28783T>C (NM_001407453.1); c.-1053-17330T>C (NM_001407470.1, NM_001407472.1); c.166-28783T>C (NM_001407446.1, NM_001354897.2, NM_001354902.2).
Identifiers: ClinVar variation 82732 (VCV000082732.4), dbSNP rs75612255, ClinGen allele CA023895.
Genomic context (GRCh38, chr5:112,737,543, plus strand): 5'-ATTATTGTTTCTCTGTGCTGCAAAAATCATAGCAATCGAGATGTAATTTATTACTCTCCC[T>C]CCCACCTCCGGCATCTTGTGCTAATCCTTCTGCCCTGCGGACCTCCCCCGACTCTTTACT-3'

ClinVar aggregate classification (germline): other (0 of 4 stars; one submission).

Conditions:
Familial colorectal cancer. Identifiers: MedGen CN280943, MONDO:0023113. Disease mechanism: loss of function.

Submission:

Systems Biology Platform Zhejiang California International NanoSystems Institute
Classification: other for Familial colorectal cancer. Review status: no assertion criteria provided. Collection method: not provided. Allele origin: unknown.
ClinVar note: Converted during submission from cancer to other.